The following is an entry in ClinVar:

NM_001365276.2(TNXB):c.8395A>T (p.Lys2799Ter)

Gene: TNXB (tenascin XB; minus strand). Cytogenetic location: 6p21.33.
Variant type: single nucleotide variant.
Coding change: c.8395A>T on transcript NM_001365276.2 (MANE Select); coding-DNA position 8395, A replaced by T.
Protein change: p.Lys2799Ter; replaces lysine 2799 with a stop codon.
Molecular consequence: nonsense.
Genome position (GRCh38, 1-based): chr6:32,055,923, T>A on the plus strand (A>T on the coding strand, the complement: TNXB is on the minus strand). VCF-style: chr6-32055923-T-A. GRCh37 (hg19) VCF-style: chr6-32023700-T-A.
Other names: c.9136A>T, p.Lys3046Ter (NM_001428335.1); c.8395A>T, p.Lys2799Ter (NM_019105.8); short protein forms K2799*, K3046*.
Identifiers: ClinVar variation 5014795 (VCV005014795.1).

ClinVar aggregate classification (germline): Pathogenic (1 of 4 stars; one submission).

Conditions:
Ehlers-Danlos syndrome due to tenascin-X deficiency (EDSCLL1). Also called: EDS DUE TO TNX DEFICIENCY; TNX DEFICIENCY; Ehlers-Danlos syndrome, classic-like, 1; EHLERS-DANLOS SYNDROME, CLASSIC-LIKE; TNXB-Related Classical-Like Ehlers-Danlos Syndrome. Identifiers: Orphanet 230839, MedGen C1848029, MONDO:0011670, OMIM 606408.

gnomAD v4.1: 11 of 1,613,376 alleles (0.00068%); highest among the groups gnomAD compares: Non-Finnish European, 0.00093%; no homozygotes.

Submission:

Myriad Genetics, Inc.
Classification: Pathogenic for Ehlers-Danlos syndrome due to tenascin-X deficiency. Last evaluated: 2025-07-31. Review status: criteria provided, single submitter. Criteria: Myriad Autosomal Dominant, Autosomal Recessive and X-Linked Classification Criteria (2023). Collection method: clinical testing. Allele origin: unknown.
Comment: NM_019105.6(TNXB):c.8395A>T(K2799*) is expected to be pathogenic in the context of classical-like Ehlers-Danlos syndrome, TNXB-related. This variant is predicted to lead to an abnormal or absent protein product due to the creation of a premature termination codon in TNXB, a gene where loss-of-function variants are known to be pathogenic. Please note: this variant was assessed in the context of healthy population screening.